The following is an entry in ClinVar:

NM_000426.4(LAMA2):c.3579C>A (p.Thr1193=)

Gene: LAMA2 (laminin subunit alpha 2; plus strand). Cytogenetic location: 6q22.33.
Variant type: single nucleotide variant.
Coding change: c.3579C>A on transcript NM_000426.4 (MANE Select); coding-DNA position 3579, C replaced by A.
Protein change: p.Thr1193=; no amino-acid change (threonine 1193 retained).
Molecular consequence: synonymous variant.
Genome position (GRCh38, 1-based): chr6:129,315,499, C>A. VCF-style: chr6-129315499-C-A. GRCh37 (hg19) VCF-style: chr6-129636644-C-A.
Other names: c.3579C>A, p.Thr1193= (NM_001079823.2).
Identifiers: ClinVar variation 2166061 (VCV002166061.5), dbSNP rs763514322, ClinGen allele CA451936700.
Genomic context (GRCh38, chr6:129,315,499, plus strand): 5'-TAAATTCAGCCTTCTGCTGTATTTTGACCCCTTGCAGGTGACTCTGAAGGCTGAGCAGAC[C>A]ATTCTACCCCTGGTAGATGAGGCTCTGCAGCACACGACCACCAAGGGCATTGTTTTTCAA-3'
Protein context (NP_000417.3, residues 1183-1203): RTWVTLKAEQ[Thr1193=]ILPLVDEALQ

ClinVar aggregate classification (germline): Likely benign. Review status: criteria provided, multiple submitters, no conflicts (2 of 4 stars). 2 submissions from 2 submitters: Likely benign (2). Last evaluated 2026-08-14.

Conditions:
LAMA2-related muscular dystrophy (LAMA2-RD). Also called: Laminin alpha 2-related dystrophy. Identifiers: MedGen C5679788, MONDO:0100228.
LAMA2-related disorder. Also called: LAMA2-related disorders; LAMA2-related condition.

Allele frequency attached by ClinVar (database versions not stated): gnomAD exomes below 0.00001.
gnomAD v4.1: 4 of 1,614,118 alleles (0.00025%); highest among the groups gnomAD compares: Non-Finnish European, 0.00034%; no homozygotes.

Submissions (2):

PreventionGenetics, part of Exact Sciences
Classification: Likely benign for LAMA2-related condition. Last evaluated: 2026-08-14. Review status: criteria provided, single submitter. Criteria: ACMG Guidelines, 2015. Collection method: clinical testing. Allele origin: germline.
Comment: This variant is classified as likely benign based on ACMG/AMP sequence variant interpretation guidelines (Richards et al. 2015 PMID: 25741868, with internal and published modifications).

Labcorp Genetics (formerly Invitae), Labcorp
Classification: Likely benign for LAMA2-related muscular dystrophy. Last evaluated: 2024-10-25. Review status: criteria provided, single submitter. Criteria: Invitae Variant Classification Sherloc (09022015). Collection method: clinical testing. Allele origin: germline.